The following is an entry in ClinVar:

ClinVar aggregate classification (germline): Uncertain significance (1 of 4 stars; one submission).

Submission:

Mayo Clinic Laboratories, Mayo Clinic
Classification: Uncertain significance. Last evaluated: 2023-04-28. Review status: criteria provided, single submitter. Criteria: ACMG Guidelines, 2015. Collection method: clinical testing. Allele origin: germline. Observed: 1 variant allele.
Comment: PP3, PM2

NM_001151.4(SLC25A4):c.571T>G (p.Tyr191Asp)

Gene: SLC25A4 (solute carrier family 25 member 4; plus strand). Cytogenetic location: 4q35.1.
Variant type: single nucleotide variant.
Coding change: c.571T>G on transcript NM_001151.4 (MANE Select); coding-DNA position 571, T replaced by G.
Protein change: p.Tyr191Asp; replaces tyrosine 191 with aspartic acid.
Molecular consequence: missense variant.
Genome position (GRCh38, 1-based): chr4:185,145,223, T>G. VCF-style: chr4-185145223-T-G. GRCh37 (hg19) VCF-style: chr4-186066377-T-G.
Other names: p.Tyr191Asp; short protein forms Y191D.
Identifiers: ClinVar variation 2682876 (VCV002682876.1), dbSNP rs2477169805, ClinGen allele CA358896913.